The following is an entry in ClinVar:

NM_152296.5(ATP1A3):c.994G>T (p.Val332Leu)

Gene: ATP1A3 (ATPase Na+/K+ transporting subunit alpha 3; minus strand). Cytogenetic location: 19q13.2.
Variant type: single nucleotide variant.
Coding change: c.994G>T on transcript NM_152296.5 (MANE Select); coding-DNA position 994, G replaced by T.
Protein change: p.Val332Leu; replaces valine 332 with leucine.
Molecular consequence: missense variant.
Genome position (GRCh38, 1-based): chr19:41,982,106, C>A on the plus strand (G>T on the coding strand, the complement: ATP1A3 is on the minus strand). VCF-style: chr19-41982106-C-A. GRCh37 (hg19) VCF-style: chr19-42486258-C-A.
Other names: c.1027G>T, p.Val343Leu (NM_001256213.2); c.1033G>T, p.Val345Leu (NM_001256214.2); short protein forms V332L, V343L, V345L.
Identifiers: ClinVar variation 3367594 (VCV003367594.1).

ClinVar aggregate classification (germline): Uncertain significance (1 of 4 stars; one submission).

Submission:

GeneDx
Classification: Uncertain significance. Last evaluated: 2024-01-07. Review status: criteria provided, single submitter. Criteria: GeneDx Variant Classification Process June 2021. Collection method: clinical testing. Allele origin: germline. Affected: yes.
Comment: Not observed at significant frequency in large population cohorts (gnomAD); In silico analysis supports that this missense variant has a deleterious effect on protein structure/function; Has not been previously published as pathogenic or benign to our knowledge